The following is an entry in ClinVar:

ClinVar aggregate classification (germline): Uncertain significance (1 of 4 stars; one submission).

Conditions:
Charcot-Marie-Tooth disease, type I (CMT1). Also called: Charcot-Marie-Tooth, Type 1; Charcot-Marie-Tooth disease type 1. Identifiers: Orphanet 65753, MedGen C0751036, MONDO:0019011.

Submission:

Labcorp Genetics (formerly Invitae), Labcorp
Classification: Uncertain significance for Charcot-Marie-Tooth disease, type I. Last evaluated: 2021-10-21. Review status: criteria provided, single submitter. Criteria: Invitae Variant Classification Sherloc (09022015). Collection method: clinical testing. Allele origin: germline.
Comment: In summary, the available evidence is currently insufficient to determine the role of this variant in disease. Therefore, it has been classified as a Variant of Uncertain Significance. Algorithms developed to predict the effect of missense changes on protein structure and function are either unavailable or do not agree on the potential impact of this missense change (SIFT: "Deleterious"; PolyPhen-2: "Benign"; Align-GVGD: "Class C0"). This variant has not been reported in the literature in individuals affected with MPZ-related conditions. This variant is not present in population databases (ExAC no frequency). This sequence change replaces lysine with glutamic acid at codon 235 of the MPZ protein (p.Lys235Glu). The lysine residue is highly conserved and there is a small physicochemical difference between lysine and glutamic acid.

NM_000530.8(MPZ):c.703A>G (p.Lys235Glu)

Gene: MPZ (myelin protein zero; minus strand). Cytogenetic location: 1q23.3.
Variant type: single nucleotide variant.
Coding change: c.703A>G on transcript NM_000530.8 (MANE Select); coding-DNA position 703, A replaced by G.
Protein change: p.Lys235Glu; replaces lysine 235 with glutamic acid.
Molecular consequence: missense variant.
Genome position (GRCh38, 1-based): chr1:161,305,920, T>C on the plus strand (A>G on the coding strand, the complement: MPZ is on the minus strand). VCF-style: chr1-161305920-T-C. GRCh37 (hg19) VCF-style: chr1-161275710-T-C.
Other names: c.703A>G, p.Lys235Glu (NM_001315491.2); short protein forms K235E.
Identifiers: ClinVar variation 1488518 (VCV001488518.6), dbSNP rs2102257203, ClinGen allele CA343344102.